The following is an entry in ClinVar:

NM_000128.4(F11):c.326-1G>A

Gene: F11 (coagulation factor XI; plus strand). Cytogenetic location: 4q35.2.
Variant type: single nucleotide variant.
Coding change: c.326-1G>A on transcript NM_000128.4 (MANE Select); the canonical splice acceptor site of the intron before coding-DNA position 326, G replaced by A.
Molecular consequence: splice acceptor variant.
Genome position (GRCh38, 1-based): chr4:186,274,115, G>A. VCF-style: chr4-186274115-G-A. GRCh37 (hg19) VCF-style: chr4-187195269-G-A.
Other names: c.326-1G>A (NM_001354804.2).
Identifiers: ClinVar variation 371555 (VCV000371555.9), dbSNP rs1057517364, ClinGen allele CA16040942.

ClinVar aggregate classification (germline): Pathogenic. Review status: criteria provided, multiple submitters, no conflicts (2 of 4 stars). 3 submissions from 3 submitters: Pathogenic (2). 1 of the submissions does not count toward it. Last evaluated 2025-09-15.

Conditions:
Plasma factor XI deficiency.
Hereditary factor XI deficiency disease. Also called: PLASMA THROMBOPLASTIN ANTECEDENT DEFICIENCY; PTA DEFICIENCY; ROSENTHAL SYNDROME; Congenital factor XI deficiency. Identifiers: Orphanet 329, MedGen C0015523, MeSH D005173, MONDO:0012897, OMIM 612416.

Allele frequency attached by ClinVar (database versions not stated): gnomAD exomes 0.00001.

Submissions (3):

Natera, Inc.
Classification: Pathogenic for Plasma factor XI deficiency. Last evaluated: 2025-09-15. Review status: criteria provided, single submitter. Criteria: Natera Variant Classification Schema (03/2026). Collection method: clinical testing. Allele origin: germline.
Comment: The c.326-1G>A variant in F11 is a canonical splice acceptor site variant predicted to affect pre-mRNA splicing, which may result in an abnormal transcript and altered protein product. This variant is expected to result in nonsense mediated decay, truncation, or a dysfunctional protein product. This variant is rare in the general population with a frequency below the threshold expected for the associated phenotype(s). This variant has been observed in one or more individuals affected with the associated recessive disease, as either homozygous or compound heterozygous with a second variant (PMID: 27067486). Given the available evidence, this variant is classified as Pathogenic.

Labcorp Genetics (formerly Invitae), Labcorp
Classification: Pathogenic. Last evaluated: 2022-07-29. Review status: criteria provided, single submitter. Criteria: Invitae Variant Classification Sherloc (09022015). Collection method: clinical testing. Allele origin: germline.
Comment: This sequence change affects an acceptor splice site in intron 4 of the F11 gene. It is expected to disrupt RNA splicing. Variants that disrupt the donor or acceptor splice site typically lead to a loss of protein function (PMID: 16199547), and loss-of-function variants in F11 are known to be pathogenic (PMID: 23929304). This variant is present in population databases (no rsID available, gnomAD 0.01%). Disruption of this splice site has been observed in individuals with autosomal recessive factor XI deficiency (PMID: 27067486, 32220196, 32333264). ClinVar contains an entry for this variant (Variation ID: 371555). Algorithms developed to predict the effect of sequence changes on RNA splicing suggest that this variant may disrupt the consensus splice site. For these reasons, this variant has been classified as Pathogenic.

Counsyl
Classification: Pathogenic for Hereditary factor XI deficiency disease. Last evaluated: 2016-10-14. Review status: no assertion criteria provided. Collection method: clinical testing. Allele origin: unknown. Not counted in ClinVar's aggregate classification.

Literature cited by the submitters: PubMed 27067486 (cited by 3 submitters); PubMed 16199547 (cited by Labcorp Genetics (formerly Invitae), Labcorp); PubMed 23929304 (cited by Labcorp Genetics (formerly Invitae), Labcorp); PubMed 32220196 (cited by Labcorp Genetics (formerly Invitae), Labcorp); PubMed 32333264 (cited by Labcorp Genetics (formerly Invitae), Labcorp).